The following is an entry in ClinVar:

ClinVar aggregate classification (germline): Uncertain significance. Review status: criteria provided, multiple submitters, no conflicts (2 of 4 stars). 3 submissions from 3 submitters: Uncertain significance (3). Last evaluated 2025-08-05.

Conditions:
Inborn genetic diseases. Identifiers: MedGen C0950123, MeSH D030342.
Essential hypertension, genetic (EHT). Identifiers: MedGen CN305331, MONDO:0007781, OMIM 145500.
Renal tubular dysgenesis of genetic origin. Also called: PRIMITIVE RENAL TUBULE SYNDROME. Identifiers: Orphanet 97369, MedGen C5681536, MONDO:0009970, OMIM 267430.

Allele frequency attached by ClinVar (database versions not stated): ExAC 0.00003; gnomAD 0.00003; gnomAD exomes 0.00003; TOPMed 0.00003; ESP Exome Variant Server 0.00016.
gnomAD v4.1: 55 of 1,613,816 alleles (0.0034%); highest among the groups gnomAD compares: Non-Finnish European, 0.0046%; no homozygotes.

Submissions (3):

Ambry Genetics
Classification: Uncertain significance for Inborn genetic diseases. Last evaluated: 2025-08-05. Review status: criteria provided, single submitter. Criteria: Ambry Variant Classification Scheme 2023. Collection method: clinical testing. Allele origin: germline.

Fulgent Genetics
Classification: Uncertain significance for Essential hypertension, genetic; Renal tubular dysgenesis of genetic origin. Last evaluated: 2024-04-14. Review status: criteria provided, single submitter. Criteria: ACMG Guidelines, 2015. Collection method: clinical testing. Allele origin: germline.

Labcorp Genetics (formerly Invitae), Labcorp
Classification: Uncertain significance. Last evaluated: 2022-05-11. Review status: criteria provided, single submitter. Criteria: Invitae Variant Classification Sherloc (09022015). Collection method: clinical testing. Allele origin: germline.
Comment: This sequence change replaces phenylalanine, which is neutral and non-polar, with valine, which is neutral and non-polar, at codon 391 of the AGTR1 protein (p.Phe391Val). This variant is present in population databases (rs144333873, gnomAD 0.005%). This variant has not been reported in the literature in individuals affected with AGTR1-related conditions. Algorithms developed to predict the effect of missense changes on protein structure and function output the following: SIFT: "Tolerated"; PolyPhen-2: "Not Available"; Align-GVGD: "Class C0". The valine amino acid residue is found in multiple mammalian species, which suggests that this missense change does not adversely affect protein function. In summary, the available evidence is currently insufficient to determine the role of this variant in disease. Therefore, it has been classified as a Variant of Uncertain Significance.

NM_000685.5(AGTR1):c.1066T>G (p.Phe356Val)

Gene: AGTR1 (angiotensin II receptor type 1; plus strand). Cytogenetic location: 3q24.
Variant type: single nucleotide variant.
Coding change: c.1066T>G on transcript NM_000685.5 (MANE Select); coding-DNA position 1066, T replaced by G.
Protein change: p.Phe356Val; replaces phenylalanine 356 with valine.
Molecular consequence: missense variant.
Genome position (GRCh38, 1-based): chr3:148,742,101, T>G. VCF-style: chr3-148742101-T-G. GRCh37 (hg19) VCF-style: chr3-148459888-T-G.
Other names: c.1066T>G (NM_031850.2); c.1171T>G (NM_031850.3); c.1066T>G, p.Phe356Val (NM_001382736.1, NM_001382737.1, NM_004835.5 and 3 more transcripts); short protein forms F356V.
Identifiers: ClinVar variation 2144773 (VCV002144773.3), dbSNP rs144333873, ClinGen allele CA2657442.
Genomic context (GRCh38, chr3:148,742,101, plus strand): 5'-ACGCTTTCCTACCGCCCCTCAGATAATGTAAGCTCATCCACCAAGAAGCCTGCACCATGT[T>G]TTGAGGTTGAGTGACATGTTCGAAACCTGTCCATAAAGTAATTTTGTGAAAGAAGGAGCA-3'
Protein context (NP_000676.1, residues 346-359): SSSTKKPAPC[Phe356Val]EVE